The following is an entry in ClinVar:

NM_000352.6(ABCC8):c.4564G>C (p.Val1522Leu)

Gene: ABCC8 (ATP binding cassette subfamily C member 8; minus strand). Cytogenetic location: 11p15.1.
Variant type: single nucleotide variant.
Coding change: c.4564G>C on transcript NM_000352.6 (MANE Select); coding-DNA position 4564, G replaced by C.
Protein change: p.Val1522Leu; replaces valine 1522 with leucine.
Molecular consequence: missense variant. On other transcripts: non-coding transcript variant (1).
Genome position (GRCh38, 1-based): chr11:17,393,741, C>G on the plus strand (G>C on the coding strand, the complement: ABCC8 is on the minus strand). VCF-style: chr11-17393741-C-G. GRCh37 (hg19) VCF-style: chr11-17415288-C-G.
Other names: c.4567G>C, p.Val1523Leu (NM_001287174.3); c.4630G>C, p.Val1544Leu (NM_001351295.2); c.4564G>C, p.Val1522Leu (NM_001351296.2); c.4561G>C, p.Val1521Leu (NM_001351297.2); short protein forms V1544L, V1523L, V1521L, V1522L.
Identifiers: ClinVar variation 5003209 (VCV005003209.1).

ClinVar aggregate classification (germline): Uncertain significance (1 of 4 stars; one submission).

Conditions:
Hyperinsulinemic hypoglycemia, familial, 1 (HHF1). Also called: Persistent hyperinsulinemic hypoglycemia of infancy; NESIDIOBLASTOSIS OF PANCREAS; HYPERINSULINISM, FAMILIAL, WITH PANCREATIC NESIDIOBLASTOSIS; HYPOGLYCEMIA, HYPERINSULINEMIC, OF INFANCY; Persistent Hyperinsulinemia Hypoglycemia of Infancy. Identifiers: Orphanet 276575, Orphanet 276598, MedGen C2931832, MONDO:0009734, OMIM 256450.

Submission:

Myriad Genetics, Inc.
Classification: Uncertain significance for Hyperinsulinemic hypoglycemia, familial, 1. Last evaluated: 2025-11-20. Review status: criteria provided, single submitter. Criteria: Myriad Autosomal Dominant, Autosomal Recessive and X-Linked Classification Criteria (2023). Collection method: clinical testing. Allele origin: unknown.
Comment: NM_000352.3(ABCC8):c.4564G>C(V1522L) is a missense variant classified as a variant of uncertain significance in the context of familial hyperinsulinism, ABCC8-related. V1522L has been observed in a case with relevant disease (PMID: 17668386). Relevant functional assessments of this variant are not available in the literature. V1522L has not been observed in referenced population frequency databases. In summary, there is insufficient evidence to classify NM_000352.3(ABCC8):c.4564G>C(V1522L) as pathogenic or benign. Please note: this variant was assessed in the context of healthy population screening.

Literature cited by the submitters: PubMed 17668386.